The following is an entry in ClinVar:

ClinVar aggregate classification (germline): Uncertain significance (1 of 4 stars; one submission).

Conditions:
Catecholaminergic polymorphic ventricular tachycardia 1. Also called: VENTRICULAR TACHYCARDIA, STRESS-INDUCED POLYMORPHIC 1; VENTRICULAR TACHYCARDIA, CATECHOLAMINERGIC POLYMORPHIC, 1, WITH OR WITHOUT ATRIAL DYSFUNCTION AND/OR DILATED CARDIOMYOPATHY; RYR2-Related Catecholaminergic Polymorphic Ventricular Tachycardia. Identifiers: Orphanet 3286, MedGen C1631597, MONDO:0011484, OMIM 604772.

Allele frequency attached by ClinVar (database versions not stated): gnomAD exomes below 0.00001.
gnomAD v4.1: 1 of 1,257,938 alleles (0.000079%); highest among the groups gnomAD compares: Non-Finnish European, 0.0001%; no homozygotes.

Submission:

Labcorp Genetics (formerly Invitae), Labcorp
Classification: Uncertain significance for Catecholaminergic polymorphic ventricular tachycardia 1. Last evaluated: 2023-01-26. Review status: criteria provided, single submitter. Criteria: Invitae Variant Classification Sherloc (09022015). Collection method: clinical testing. Allele origin: germline.
Comment: This sequence change falls in intron 1 of the RYR2 gene. It does not directly change the encoded amino acid sequence of the RYR2 protein. This variant is not present in population databases (gnomAD no frequency). This variant has not been reported in the literature in individuals affected with RYR2-related conditions. Algorithms developed to predict the effect of sequence changes on RNA splicing suggest that this variant may disrupt the consensus splice site. In summary, the available evidence is currently insufficient to determine the role of this variant in disease. Therefore, it has been classified as a Variant of Uncertain Significance.

NM_001035.3(RYR2):c.48+10G>A

Gene: RYR2 (ryanodine receptor 2; plus strand). Cytogenetic location: 1q43.
Variant type: single nucleotide variant.
Coding change: c.48+10G>A on transcript NM_001035.3 (MANE Select); 10 bases into the intron after coding-DNA position 48, G replaced by A.
Molecular consequence: intron variant.
Genome position (GRCh38, 1-based): chr1:237,042,579, G>A. VCF-style: chr1-237042579-G-A. GRCh37 (hg19) VCF-style: chr1-237205879-G-A.
Identifiers: ClinVar variation 2776027 (VCV002776027.3), dbSNP rs2527004808, ClinGen allele CA2651194338.
Genomic context (GRCh38, chr1:237,042,579, plus strand): 5'-ACCATGGCCGATGGGGGCGAGGGCGAAGACGAGATCCAGTTCCTGCGAACTGTAAGCGCC[G>A]TGCGTCGCGTGTGCTGTCAGGGGAAGGGGGCGTCAGGGCATCCACTAGCGGGGTCCGGGC-3'